The following is an entry in ClinVar:

ClinVar aggregate classification (germline): Likely benign. Review status: criteria provided, single submitter (1 of 4 stars). 2 submissions from 2 submitters: Likely benign (1). 1 of the submissions does not count toward it. Last evaluated 2024-05-21.

Conditions:
SMARCA4-related disorder. Also called: SMARCA4-related condition.
Rhabdoid tumor predisposition syndrome 2 (RTPS2). Identifiers: Orphanet 231108, Orphanet 69077, MedGen C2750074, MONDO:0013224, OMIM 613325.

Submissions (2):

Labcorp Genetics (formerly Invitae), Labcorp
Classification: Likely benign for Rhabdoid tumor predisposition syndrome 2. Last evaluated: 2024-05-21. Review status: criteria provided, single submitter. Criteria: Invitae Variant Classification Sherloc (09022015). Collection method: clinical testing. Allele origin: germline.

PreventionGenetics, part of Exact Sciences
Classification: Likely benign for SMARCA4-related condition. Last evaluated: 2024-08-07. Review status: no assertion criteria provided. Collection method: clinical testing. Allele origin: germline. Not counted in ClinVar's aggregate classification.
Comment: This variant is classified as likely benign based on ACMG/AMP sequence variant interpretation guidelines (Richards et al. 2015 PMID: 25741868, with internal and published modifications).

NM_003072.5(SMARCA4):c.2691C>G (p.Leu897=)

Gene: SMARCA4 (SWI/SNF related BAF chromatin remodeling complex subunit ATPase 4; plus strand). Cytogenetic location: 19p13.2.
Variant type: single nucleotide variant.
Coding change: c.2691C>G on transcript NM_003072.5 (MANE Select); coding-DNA position 2691, C replaced by G.
Protein change: p.Leu897=; no amino-acid change (leucine 897 retained).
Molecular consequence: synonymous variant. On other transcripts: non-coding transcript variant (1).
Genome position (GRCh38, 1-based): chr19:11,021,799, C>G. VCF-style: chr19-11021799-C-G. GRCh37 (hg19) VCF-style: chr19-11132475-C-G.
Other names: c.2691C>G, p.Leu897= (NM_001128844.3, NM_001128845.2, NM_001128846.2 and 5 more transcripts); c.2691C>G (NM_001128849.1).
Identifiers: ClinVar variation 1117121 (VCV001117121.10), dbSNP rs2146417640, ClinGen allele CA505743555.